The following is an entry in ClinVar:

NM_001384732.1(CPLANE1):c.2921-10T>G

Gene: CPLANE1 (ciliogenesis and planar polarity effector complex subunit 1; minus strand). Cytogenetic location: 5p13.2.
Variant type: single nucleotide variant.
Coding change: c.2921-10T>G on transcript NM_001384732.1 (MANE Select); 10 bases into the intron before coding-DNA position 2921, T replaced by G.
Molecular consequence: intron variant.
Genome position (GRCh38, 1-based): chr5:37,206,435, A>C on the plus strand (T>G on the coding strand, the complement: CPLANE1 is on the minus strand). VCF-style: chr5-37206435-A-C. GRCh37 (hg19) VCF-style: chr5-37206537-A-C.
Other names: c.2921-10T>G (NM_023073.4).
Identifiers: ClinVar variation 2851202 (VCV002851202.3), dbSNP rs2548238392, ClinGen allele CA2554717225.

ClinVar aggregate classification (germline): Uncertain significance (1 of 4 stars; one submission).

Submission:

Labcorp Genetics (formerly Invitae), Labcorp
Classification: Uncertain significance. Last evaluated: 2023-03-31. Review status: criteria provided, single submitter. Criteria: Invitae Variant Classification Sherloc (09022015). Collection method: clinical testing. Allele origin: germline.
Comment: This sequence change falls in intron 16 of the CPLANE1 gene. It does not directly change the encoded amino acid sequence of the CPLANE1 protein. This variant is not present in population databases (gnomAD no frequency). This variant has not been reported in the literature in individuals affected with CPLANE1-related conditions. Algorithms developed to predict the effect of sequence changes on RNA splicing suggest that this variant may disrupt the consensus splice site. In summary, the available evidence is currently insufficient to determine the role of this variant in disease. Therefore, it has been classified as a Variant of Uncertain Significance.